The following is an entry in ClinVar:

NC_012920.1(MT-TQ):m.4335C>T

Gene: MT-TQ (mitochondrially encoded tRNA glutamine; minus strand).
Variant type: single nucleotide variant.
Genome position: chrM-4335-C-T.
Identifiers: ClinVar variation 689886 (VCV000689886.1), dbSNP rs878959563, ClinGen allele CA337096856.

ClinVar aggregate classification (germline): Benign (1 of 4 stars; one submission).

Conditions:
MELAS syndrome (MELAS). Also called: Juvenile myopathy, encephalopathy, lactic acidosis, stroke. Identifiers: Orphanet 550, MedGen C0162671, MONDO:0010789, OMIM 540000.

Submission:

Wong Mito Lab, Molecular and Human Genetics, Baylor College of Medicine
Classification: Benign for MELAS syndrome. Last evaluated: 2019-07-12. Review status: criteria provided, single submitter. Criteria: Modified ACMG Guidelines (Unpublished). Collection method: clinical testing. Allele origin: germline.
Comment: The NC_012920.1:m.4335C>T variant in MT-TQ gene is interpreted to be a Benign variant based on the modified ACMG guidelines (unpublished). This variant meets the following evidence codes reported in the guidelines: BS1, BS4, BP4

Literature cited by the submitters: PubMed 31965079.